The following is an entry in ClinVar:

ClinVar aggregate classification (germline): Uncertain significance. Review status: criteria provided, multiple submitters, no conflicts (2 of 4 stars). 2 submissions from 2 submitters: Uncertain significance (2). Last evaluated 2024-01-01.

Conditions:
Familial temporal lobe epilepsy 7. Identifiers: Orphanet 101046, MedGen C4225327, MONDO:0014639, OMIM 616436.
Norman-Roberts syndrome (LIS2). Also called: Lissencephaly 2 (Norman-Roberts type). Identifiers: Orphanet 89844, MedGen C0796089, MONDO:0009760, OMIM 257320.

Allele frequency attached by ClinVar (database versions not stated): gnomAD exomes 0.00001; TOPMed 0.00001; ExAC 0.00003.
gnomAD v4.1: 12 of 1,613,810 alleles (0.00074%); highest among the groups gnomAD compares: East Asian, 0.0022%; no homozygotes.

Submissions (2):

CeGaT Center for Human Genetics Tuebingen
Classification: Uncertain significance. Last evaluated: 2024-01-01. Review status: criteria provided, single submitter. Criteria: CeGaT Center For Human Genetics Tuebingen Variant Classification Criteria Version 2. Collection method: clinical testing. Allele origin: germline. Affected: yes. Observed: 1 variant allele.
Comment: RELN: PM2

Labcorp Genetics (formerly Invitae), Labcorp
Classification: Uncertain significance for Familial temporal lobe epilepsy 7; Norman-Roberts syndrome. Last evaluated: 2023-11-19. Review status: criteria provided, single submitter. Criteria: Invitae Variant Classification Sherloc (09022015). Collection method: clinical testing. Allele origin: germline.
Comment: This sequence change replaces cysteine, which is neutral and slightly polar, with tyrosine, which is neutral and polar, at codon 1338 of the RELN protein (p.Cys1338Tyr). This variant is present in population databases (rs779501656, gnomAD 0.003%). This variant has not been reported in the literature in individuals affected with RELN-related conditions. ClinVar contains an entry for this variant (Variation ID: 1937832). Advanced modeling of protein sequence and biophysical properties (such as structural, functional, and spatial information, amino acid conservation, physicochemical variation, residue mobility, and thermodynamic stability) performed at Invitae indicates that this missense variant is not expected to disrupt RELN protein function with a negative predictive value of 80%. In summary, the available evidence is currently insufficient to determine the role of this variant in disease. Therefore, it has been classified as a Variant of Uncertain Significance.

NM_005045.4(RELN):c.4013G>A (p.Cys1338Tyr)

Gene: RELN (reelin; minus strand). Cytogenetic location: 7q22.1.
Variant type: single nucleotide variant.
Coding change: c.4013G>A on transcript NM_005045.4 (MANE Select); coding-DNA position 4013, G replaced by A.
Protein change: p.Cys1338Tyr; replaces cysteine 1338 with tyrosine.
Molecular consequence: missense variant.
Genome position (GRCh38, 1-based): chr7:103,589,728, C>T on the plus strand (G>A on the coding strand, the complement: RELN is on the minus strand). VCF-style: chr7-103589728-C-T. GRCh37 (hg19) VCF-style: chr7-103230175-C-T.
Other names: c.4013G>A, p.Cys1338Tyr (NM_173054.3); short protein forms C1338Y.
Identifiers: ClinVar variation 1937832 (VCV001937832.27), dbSNP rs779501656, ClinGen allele CA4421622.